The following is an entry in ClinVar:

NC_000009.11:g.(?_214977)_(386446_?)dup

Genes: DOCK8 (dedicator of cytokinesis 8; plus strand), DOCK8-AS1 (DOCK8 antisense RNA 1; minus strand). Cytogenetic location: 9p24.3.
Variant type: Duplication.
Identifiers: ClinVar variation 2427709 (VCV002427709.8).

ClinVar aggregate classification (germline): Uncertain significance (1 of 4 stars; one submission).

Conditions:
Hyper-IgE recurrent infection syndrome 3, autosomal recessive. Also called: Autosomal recessive hyper-IgE syndrome due to ZNF341 deficiency; HYPER-IgE SYNDROME 3, AUTOSOMAL RECESSIVE, WITH RECURRENT INFECTIONS. Identifiers: Orphanet 641368, MedGen C4748969, MONDO:0032654, OMIM 618282.

Submission:

Labcorp Genetics (formerly Invitae), Labcorp
Classification: Uncertain significance for Combined immunodeficiency due to DOCK8 deficiency. Last evaluated: 2022-02-28. Review status: criteria provided, single submitter. Criteria: Invitae Variant Classification Sherloc (09022015). Collection method: clinical testing. Allele origin: germline.
Comment: In summary, the available evidence is currently insufficient to determine the role of this variant in disease. Therefore, it has been classified as a Variant of Uncertain Significance. Experimental studies and prediction algorithms are not available or were not evaluated, and the functional significance of this variant is currently unknown. This variant has not been reported in the literature in individuals affected with DOCK8-related conditions. This variant results in a copy number gain of the genomic region encompassing exon(s) 1-23 of the DOCK8 gene. This region includes the initiator codon of the gene. This copy number gain extends beyond the assayed region for this gene and therefore may encompass additional genes. As the precise location of this event is unknown, it may be in tandem or it may be located elsewhere in the genome.